The following is an entry in ClinVar:

NM_001042545.2(LTBP4):c.1336C>T (p.Arg446Trp)

Gene: LTBP4 (latent transforming growth factor beta binding protein 4; plus strand). Cytogenetic location: 19q13.2.
Variant type: single nucleotide variant.
Coding change: c.1336C>T on transcript NM_001042545.2 (MANE Select); coding-DNA position 1336, C replaced by T.
Protein change: p.Arg446Trp; replaces arginine 446 with tryptophan.
Molecular consequence: missense variant.
Genome position (GRCh38, 1-based): chr19:40,608,513, C>T. VCF-style: chr19-40608513-C-T. GRCh37 (hg19) VCF-style: chr19-41114419-C-T.
Other names: c.1537C>T, p.Arg513Trp (NM_001042544.1); c.1426C>T, p.Arg476Trp (NM_003573.2); short protein forms R446W, R476W, R513W.
Identifiers: ClinVar variation 1212259 (VCV001212259.5), dbSNP rs747870410, ClinGen allele CA9448278.
Genomic context (GRCh38, chr19:40,608,513, plus strand): 5'-GCTCCACTCGTTGATACCCCTTCTTTATCAGGCTTTCTGCCCACCCATCGCCTGGAGCCC[C>T]GGCCTGAACCCCGGCCCGATCCCCGGCCCGGCCCTGAGCTTCCCTTGCCCAGCATCCCTG-3'
Protein context (NP_001036010.1, residues 436-456): GFLPTHRLEP[Arg446Trp]PEPRPDPRPG

ClinVar aggregate classification (germline): Uncertain significance. Review status: criteria provided, multiple submitters, no conflicts (2 of 4 stars). 2 submissions from 2 submitters: Uncertain significance (2). Last evaluated 2025-11-06.

Conditions:
Inborn genetic diseases. Identifiers: MedGen C0950123, MeSH D030342.

Allele frequency attached by ClinVar (database versions not stated): gnomAD 0.00006.
gnomAD v4.1: 116 of 1,606,202 alleles (0.0072%); highest among the groups gnomAD compares: Middle Eastern, 0.033%; no homozygotes.

Submissions (2):

Ambry Genetics
Classification: Uncertain significance for Inborn genetic diseases. Last evaluated: 2025-11-06. Review status: criteria provided, single submitter. Criteria: Ambry Variant Classification Scheme 2023. Collection method: clinical testing. Allele origin: germline.

GeneDx
Classification: Uncertain significance. Last evaluated: 2024-02-09. Review status: criteria provided, single submitter. Criteria: GeneDx Variant Classification Process June 2021. Collection method: clinical testing. Allele origin: germline. Affected: yes.
Comment: Has not been previously published as pathogenic or benign to our knowledge; In silico analysis, which includes protein predictors and evolutionary conservation, supports that this variant does not alter protein structure/function